The following is an entry in ClinVar:

NM_018723.4(RBFOX1):c.1016C>T (p.Ala339Val)

Genes: RBFOX1 (RNA binding fox-1 homolog 1; plus strand), LOC126862279 (MED14-independent group 3 enhancer GRCh37_chr16:7758954-7760153; plus strand). Cytogenetic location: 16p13.3.
Variant type: single nucleotide variant.
Coding change: c.1016C>T on transcript NM_018723.4 (MANE Select); coding-DNA position 1016, C replaced by T.
Protein change: p.Ala339Val; replaces alanine 339 with valine.
Molecular consequence: missense variant.
Genome position (GRCh38, 1-based): chr16:7,709,076, C>T. VCF-style: chr16-7709076-C-T. GRCh37 (hg19) VCF-style: chr16-7759078-C-T.
Other names: c.935C>T, p.Ala312Val (NM_001142333.2); c.1016C>T, p.Ala339Val (NM_001142334.2); c.1145C>T, p.Ala382Val (NM_001308117.1, NM_001415891.1); c.1069C>T, p.Pro357Ser (NM_001364800.2); c.1198C>T, p.Pro400Ser (NM_001411047.1, NM_001415895.1); c.1666C>T, p.Pro556Ser (NM_001415887.1); c.1532C>T, p.Ala511Val (NM_001415888.1); c.1177C>T, p.Pro393Ser (NM_001415889.1, NM_001415898.1); and 23 more; short protein forms A317V, A348V, A355V, P359S, P369S, P373S, P556S, A308V.
Identifiers: ClinVar variation 2994710 (VCV002994710.3), dbSNP rs1465514323, ClinGen allele CA394795506.
Genomic context (GRCh38, chr16:7,709,076, plus strand): 5'-GCATACTGTGGATCAATCTTCACCTCTATTTTCCTTTCAGTTACGGACGAGTTTATGCTG[C>T]CGACCCCTACCACCACGCACTTGCTCCAGCCCCCACCTACGGCGTTGGTGCCATGGTGAG-3'
Protein context (NP_061193.2, residues 329-349): YSDSYGRVYA[Ala339Val]DPYHHALAPA

ClinVar aggregate classification (germline): Uncertain significance (1 of 4 stars; one submission).

Conditions:
Idiopathic generalized epilepsy. Also called: EIG; Generalised epilepsy. Identifiers: MedGen C0270850, MONDO:0005579, OMIM 600669.

Allele frequency attached by ClinVar (database versions not stated): TOPMed below 0.00001.

Submission:

Labcorp Genetics (formerly Invitae), Labcorp
Classification: Uncertain significance for Idiopathic generalized epilepsy. Last evaluated: 2023-08-10. Review status: criteria provided, single submitter. Criteria: Invitae Variant Classification Sherloc (09022015). Collection method: clinical testing. Allele origin: germline.
Comment: Advanced modeling of protein sequence and biophysical properties (such as structural, functional, and spatial information, amino acid conservation, physicochemical variation, residue mobility, and thermodynamic stability) performed at Invitae indicates that this missense variant is not expected to disrupt RBFOX1 protein function. This variant has not been reported in the literature in individuals affected with RBFOX1-related conditions. This variant is not present in population databases (gnomAD no frequency). This sequence change replaces alanine, which is neutral and non-polar, with valine, which is neutral and non-polar, at codon 360 of the RBFOX1 protein (p.Ala360Val). In summary, the available evidence is currently insufficient to determine the role of this variant in disease. Therefore, it has been classified as a Variant of Uncertain Significance.